The following is an entry in ClinVar:

ClinVar aggregate classification (germline): Uncertain significance (1 of 4 stars; one submission).

Conditions:
Hereditary cancer-predisposing syndrome. Also called: Hereditary neoplastic syndrome; Tumor predisposition; Hereditary Cancer Syndrome; Neoplastic Syndromes, Hereditary. Identifiers: Orphanet 140162, MedGen C0027672, MeSH D009386, MONDO:0015356.

Submission:

Ambry Genetics
Classification: Uncertain significance for Hereditary cancer-predisposing syndrome. Last evaluated: 2023-08-30. Review status: criteria provided, single submitter. Criteria: Ambry Variant Classification Scheme 2023. Collection method: clinical testing. Allele origin: germline.
Comment: The p.I506L variant (also known as c.1516A>C), located in coding exon 10 of the MSH3 gene, results from an A to C substitution at nucleotide position 1516. The isoleucine at codon 506 is replaced by leucine, an amino acid with highly similar properties. This amino acid position is conserved. In addition, this alteration is predicted to be tolerated by in silico analysis. Since supporting evidence is limited at this time, the clinical significance of this alteration remains unclear.

NM_002439.5(MSH3):c.1516A>C (p.Ile506Leu)

Gene: MSH3 (mutS homolog 3; plus strand). Cytogenetic location: 5q14.1.
Variant type: single nucleotide variant.
Coding change: c.1516A>C on transcript NM_002439.5 (MANE Select); coding-DNA position 1516, A replaced by C.
Protein change: p.Ile506Leu; replaces isoleucine 506 with leucine.
Molecular consequence: missense variant.
Genome position (GRCh38, 1-based): chr5:80,728,913, A>C. VCF-style: chr5-80728913-A-C. GRCh37 (hg19) VCF-style: chr5-80024732-A-C.
Other names: short protein forms I506L.
Identifiers: ClinVar variation 2586082 (VCV002586082.2), dbSNP rs1743353490, ClinGen allele CA360274269.